The following is an entry in ClinVar:

NM_000297.4(PKD2):c.95G>A (p.Gly32Asp)

Genes: PKD2 (polycystin 2, transient receptor potential cation channel; plus strand), LOC129992813 (ATAC-STARR-seq lymphoblastoid silent region 15559; plus strand). Cytogenetic location: 4q22.1.
Variant type: single nucleotide variant.
Coding change: c.95G>A on transcript NM_000297.4 (MANE Select); coding-DNA position 95, G replaced by A.
Protein change: p.Gly32Asp; replaces glycine 32 with aspartic acid.
Molecular consequence: missense variant. On other transcripts: non-coding transcript variant (1).
Genome position (GRCh38, 1-based): chr4:88,007,828, G>A. VCF-style: chr4-88007828-G-A. GRCh37 (hg19) VCF-style: chr4-88928980-G-A.
Other names: short protein forms G32D.
Identifiers: ClinVar variation 931035 (VCV000931035.6), dbSNP rs1393526656, ClinGen allele CA357625146.

ClinVar aggregate classification (germline): Uncertain significance. Review status: criteria provided, multiple submitters, no conflicts (2 of 4 stars). 3 submissions from 3 submitters: Uncertain significance (3). Last evaluated 2024-08-30.

Conditions:
Autosomal dominant polycystic kidney disease. Identifiers: Orphanet 730, MedGen C0085413, MONDO:0004691.
Polycystic kidney disease 2 (PKD2). Also called: POLYCYSTIC KIDNEY DISEASE, ADULT, TYPE II; Polycystic Kidney Disease 2, Autosomal Dominant; POLYCYSTIC KIDNEY DISEASE 2 WITH OR WITHOUT POLYCYSTIC LIVER DISEASE. Identifiers: MedGen C2751306, MONDO:0013131, OMIM 613095.

Allele frequency attached by ClinVar (database versions not stated): TOPMed below 0.00001; gnomAD 0.00001; gnomAD exomes 0.00002.
gnomAD v4.1: 16 of 1,189,452 alleles (0.0013%); highest among the groups gnomAD compares: Admixed American, 0.0046%; no homozygotes.

Submissions (3):

Labcorp Genetics (formerly Invitae), Labcorp
Classification: Uncertain significance for Autosomal dominant polycystic kidney disease. Last evaluated: 2024-08-30. Review status: criteria provided, single submitter. Criteria: Invitae Variant Classification Sherloc (09022015). Collection method: clinical testing. Allele origin: germline.
Comment: This sequence change replaces glycine, which is neutral and non-polar, with aspartic acid, which is acidic and polar, at codon 32 of the PKD2 protein (p.Gly32Asp). The frequency data for this variant in the population databases is considered unreliable, as metrics indicate insufficient coverage at this position in the gnomAD database. This variant has not been reported in the literature in individuals affected with PKD2-related conditions. ClinVar contains an entry for this variant (Variation ID: 931035). An algorithm developed to predict the effect of missense changes on protein structure and function (PolyPhen-2) suggests that this variant is likely to be tolerated. In summary, the available evidence is currently insufficient to determine the role of this variant in disease. Therefore, it has been classified as a Variant of Uncertain Significance.

Fulgent Genetics
Classification: Uncertain significance for Polycystic kidney disease 2. Last evaluated: 2024-05-01. Review status: criteria provided, single submitter. Criteria: ACMG Guidelines, 2015. Collection method: clinical testing. Allele origin: germline.

Centre for Mendelian Genomics, University Medical Centre Ljubljana
Classification: Uncertain significance for Polycystic kidney disease 2. Last evaluated: 2016-01-01. Review status: criteria provided, single submitter. Criteria: ACMG Guidelines, 2015. Collection method: clinical testing. Allele origin: unknown. Affected: yes.
Comment: This variant was classified as: Uncertain significance. The following ACMG criteria were applied in classifying this variant: PM2.